The following is an entry in ClinVar:

NM_001018005.2(TPM1):c.109A>C (p.Lys37Gln)

Gene: TPM1 (tropomyosin 1; plus strand). Cytogenetic location: 15q22.2.
Variant type: single nucleotide variant.
Coding change: c.109A>C on transcript NM_001018005.2 (MANE Select); coding-DNA position 109, A replaced by C.
Protein change: p.Lys37Gln; replaces lysine 37 with glutamine.
Molecular consequence: missense variant.
Genome position (GRCh38, 1-based): chr15:63,042,938, A>C. VCF-style: chr15-63042938-A-C. GRCh37 (hg19) VCF-style: chr15-63335137-A-C.
Other names: c.109A>C, p.Lys37Gln (NM_000366.6, NM_001018004.2, NM_001018006.2 and 7 more transcripts); short protein forms K37Q.
Identifiers: ClinVar variation 1003945 (VCV001003945.8), dbSNP rs199476303, ClinGen allele CA392718165.
Genomic context (GRCh38, chr15:63,042,938, plus strand): 5'-AACGCCTTGGATCGAGCTGAGCAGGCGGAGGCCGACAAGAAGGCGGCGGAAGACAGGAGC[A>C]AGCAGGTCTGCGCCTCCCCGGCCCTGCGCCCGCGCCCAGAGCGCCGGGACTCGAGCCTGG-3'
Protein context (NP_001018005.1, residues 27-47): ADKKAAEDRS[Lys37Gln]QLEDELVSLQ

ClinVar aggregate classification (germline): Uncertain significance. Review status: criteria provided, multiple submitters, no conflicts (2 of 4 stars). 2 submissions from 2 submitters: Uncertain significance (2). Last evaluated 2025-09-09.

Conditions:
Cardiomyopathy (CMYO). Also called: Cardiomyopathies. Identifiers: Orphanet 167848, MedGen C0878544, MONDO:0004994, HP:0001638. Inheritance: Various modes of inheritance.
Hypertrophic cardiomyopathy. Also called: HYPERTROPHIC MYOCARDIOPATHY. Identifiers: Orphanet 217569, MedGen C0007194, MeSH D002312, MONDO:0005045, HP:0001639.

Submissions (2):

Color Diagnostics, LLC DBA Color Health
Classification: Uncertain significance for Cardiomyopathy. Last evaluated: 2025-09-09. Review status: criteria provided, single submitter. Criteria: ACMG Guidelines, 2015. Collection method: clinical testing. Allele origin: germline.
Comment: This missense variant replaces lysine with glutamine at codon 37 of the TPM1 protein. Computational prediction is inconclusive regarding the impact of this variant on protein structure and function. To our knowledge, functional studies have not been reported for this variant. This variant has not been reported in individuals affected with TPM1-related disorders in the literature. This variant has not been identified in the general population by the Genome Aggregation Database (gnomAD). The available evidence is insufficient to determine the role of this variant in disease conclusively. Therefore, this variant is classified as a Variant of Uncertain Significance.

Labcorp Genetics (formerly Invitae), Labcorp
Classification: Uncertain significance for Hypertrophic cardiomyopathy. Last evaluated: 2022-09-20. Review status: criteria provided, single submitter. Criteria: Invitae Variant Classification Sherloc (09022015). Collection method: clinical testing. Allele origin: germline.
Comment: This variant is not present in population databases (gnomAD no frequency). This sequence change replaces lysine, which is basic and polar, with glutamine, which is neutral and polar, at codon 37 of the TPM1 protein (p.Lys37Gln). In summary, the available evidence is currently insufficient to determine the role of this variant in disease. Therefore, it has been classified as a Variant of Uncertain Significance. Algorithms developed to predict the effect of missense changes on protein structure and function (SIFT, PolyPhen-2, Align-GVGD) all suggest that this variant is likely to be tolerated. ClinVar contains an entry for this variant (Variation ID: 1003945). This variant has not been reported in the literature in individuals affected with TPM1-related conditions.